The following is an entry in ClinVar:

NM_000059.4(BRCA2):c.809C>G (p.Ser270Ter)

Gene: BRCA2 (BRCA2 DNA repair associated; plus strand). Cytogenetic location: 13q13.1.
Variant type: single nucleotide variant.
Coding change: c.809C>G on transcript NM_000059.4 (MANE Select); coding-DNA position 809, C replaced by G.
Protein change: p.Ser270Ter; replaces serine 270 with a stop codon.
Molecular consequence: nonsense.
Genome position (GRCh38, 1-based): chr13:32,332,287, C>G. VCF-style: chr13-32332287-C-G. GRCh37 (hg19) VCF-style: chr13-32906424-C-G.
Other names: short protein forms S270*.
Identifiers: ClinVar variation 52505 (VCV000052505.17), dbSNP rs276174902, ClinGen allele CA025454.

ClinVar aggregate classification (germline): Pathogenic. Review status: reviewed by expert panel (3 of 4 stars). 6 submissions from 6 submitters: Pathogenic (1). 5 of the submissions do not count toward it. Last evaluated 2016-09-08.

Conditions:
Hereditary breast ovarian cancer syndrome. Also called: Hereditary breast and ovarian cancer syndrome; Hereditary breast and ovarian cancer; Hereditary breast and ovarian cancer syndrome (HBOC); Breast and ovarian cancer; Hereditary breast and/or ovarian cancer syndrome; BRCA1- and BRCA2-Associated Hereditary Breast and Ovarian Cancer. Identifiers: Orphanet 145, MedGen C0677776, MeSH D061325, MONDO:0003582. Disease mechanism: loss of function.
Hereditary cancer-predisposing syndrome. Also called: Neoplastic Syndromes, Hereditary; Tumor predisposition; Hereditary neoplastic syndrome; Hereditary Cancer Syndrome. Identifiers: Orphanet 140162, MedGen C0027672, MeSH D009386, MONDO:0015356.
Breast-ovarian cancer, familial, susceptibility to, 2 (BROVCA2). Also called: BRCA2 Hereditary Breast and Ovarian Cancer. Identifiers: Orphanet 145, MedGen C2675520, MONDO:0012933, OMIM 612555. Disease mechanism: loss of function.

Allele frequency attached by ClinVar (database versions not stated): gnomAD exomes below 0.00001.
gnomAD v4.1: 1 of 1,603,794 alleles (0.000062%); highest among the groups gnomAD compares: Non-Finnish European, 0.000085%; no homozygotes.

Submissions (6):

Evidence-based Network for the Interpretation of Germline Mutant Alleles (ENIGMA)
Classification: Pathogenic for Breast-ovarian cancer, familial, susceptibility to, 2. Last evaluated: 2016-09-08. Review status: reviewed by expert panel. Criteria: ENIGMA BRCA1/2 Classification Criteria (2015). Collection method: curation. Allele origin: germline.
Comment: Variant allele predicted to encode a truncated non-functional protein.

All of Us Research Program, National Institutes of Health
Classification: Pathogenic for Breast-ovarian cancer, familial, susceptibility to, 2. Last evaluated: 2023-11-27. Review status: criteria provided, single submitter. Criteria: ACMG Guidelines, 2015. Collection method: clinical testing. Allele origin: germline. Inheritance: Autosomal dominant inheritance. Observed: 1 variant allele, 1 heterozygote. Not counted in ClinVar's aggregate classification.
Comment: The c.809C>G (p.Ser270*) variant in the BRCA2 gene is located on the exon 10 and introduces a premature translation termination codon (p.Ser270*), resulting in an absent or disrupted protein product. The variant has been reported in individuals with breast cancer (PMID: 30702160, 26187060). Loss-of-function variants of BRCA2 are known to be pathogenic (PMID: 8988179, 11897832, 29446198). The variant is reported in ClinVar as pathogenic (ID: 52505) and reviewed by the expert panel. The variant is absent in the general population database (gnomAD). Therefore, the c.809C>G (p.Ser270*) variant of BRCA2 has been classified as pathogenic.

This study involves interpretation of variants in research participants for the purpose of population health screening. Participant phenotype was not available at the time of variant classification. Additional details can be found in publication PMID: 35346344, PMCID: PMC8962531

Labcorp Genetics (formerly Invitae), Labcorp
Classification: Pathogenic for Hereditary breast ovarian cancer syndrome. Last evaluated: 2023-04-20. Review status: criteria provided, single submitter. Criteria: Invitae Variant Classification Sherloc (09022015). Collection method: clinical testing. Allele origin: germline. Not counted in ClinVar's aggregate classification.
Comment: ClinVar contains an entry for this variant (Variation ID: 52505). This premature translational stop signal has been observed in individual(s) with breast cancer (PMID: 26187060, 30702160). This variant is not present in population databases (gnomAD no frequency). This sequence change creates a premature translational stop signal (p.Ser270*) in the BRCA2 gene. It is expected to result in an absent or disrupted protein product. Loss-of-function variants in BRCA2 are known to be pathogenic (PMID: 20104584). For these reasons, this variant has been classified as Pathogenic.

Ambry Genetics
Classification: Pathogenic for Hereditary cancer-predisposing syndrome. Last evaluated: 2018-08-28. Review status: criteria provided, single submitter. Criteria: Ambry Variant Classification Scheme 2023. Collection method: clinical testing. Allele origin: germline. Not counted in ClinVar's aggregate classification.
Comment: The p.S270* pathogenic mutation (also known as c.809C>G), located in coding exon 9 of the BRCA2 gene, results from a C to G substitution at nucleotide position 809. This changes the amino acid from a serine to a stop codon within coding exon 9. This alteration is expected to result in loss of function by premature protein truncation or nonsense-mediated mRNA decay. As such, this alteration is interpreted as a disease-causing mutation.

Consortium of Investigators of Modifiers of BRCA1/2 (CIMBA), c/o University of Cambridge
Classification: Pathogenic for Breast-ovarian cancer, familial, susceptibility to, 2. Last evaluated: 2015-10-02. Review status: criteria provided, single submitter. Criteria: CIMBA Mutation Classification guidelines May 2016. Collection method: clinical testing. Allele origin: germline. Not counted in ClinVar's aggregate classification.

Breast Cancer Information Core (BIC) (BRCA2)
Classification: Pathogenic for Breast-ovarian cancer, familial 2. Last evaluated: 2010-09-18. Review status: no assertion criteria provided. Collection method: clinical testing. Allele origin: germline. Affected: yes. Observed: 1 variant allele. Not counted in ClinVar's aggregate classification.

Literature cited by the submitters: PubMed 8988179 (cited by All of Us Research Program, National Institutes of Health); PubMed 11897832 (cited by All of Us Research Program, National Institutes of Health); PubMed 26187060 (cited by All of Us Research Program, National Institutes of Health and Labcorp Genetics (formerly Invitae), Labcorp); PubMed 29446198 (cited by All of Us Research Program, National Institutes of Health); PubMed 30702160 (cited by All of Us Research Program, National Institutes of Health and Labcorp Genetics (formerly Invitae), Labcorp); PubMed 20104584 (cited by Labcorp Genetics (formerly Invitae), Labcorp).